The following is an entry in ClinVar:

NM_000455.5(STK11):c.*34C>T

Gene: STK11 (serine/threonine kinase 11; plus strand). Cytogenetic location: 19p13.3.
Variant type: single nucleotide variant.
Coding change: c.*34C>T on transcript NM_000455.5 (MANE Select); 34 bases downstream of the stop codon, C replaced by T.
Molecular consequence: 3 prime UTR variant.
Genome position (GRCh38, 1-based): chr19:1,227,610, C>T. VCF-style: chr19-1227610-C-T. GRCh37 (hg19) VCF-style: chr19-1227609-C-T.
Identifiers: ClinVar variation 139342 (VCV000139342.2), dbSNP rs727503761, ClinGen allele CA022833.

ClinVar aggregate classification (germline): Benign (1 of 4 stars; one submission).

Allele frequency attached by ClinVar (database versions not stated): TOPMed 0.00002.
gnomAD v4.1: 63 of 1,065,724 alleles (0.0059%); highest among the groups gnomAD compares: Non-Finnish European, 0.0066%; no homozygotes.

Submission:

GeneDx
Classification: Benign. Last evaluated: 2014-01-03. Review status: criteria provided, single submitter. Criteria: GeneDx Variant Classification (06012015). Collection method: clinical testing. Allele origin: germline. Affected: yes.
Comment: This variant is considered likely benign or benign based on one or more of the following criteria: it is a conservative change, it occurs at a poorly conserved position in the protein, it is predicted to be benign by multiple in silico algorithms, and/or has population frequency not consistent with disease.